The following is an entry in ClinVar:

ClinVar aggregate classification (germline): Pathogenic. Review status: criteria provided, multiple submitters, no conflicts (2 of 4 stars). 3 submissions from 3 submitters: Pathogenic (2). 1 of the submissions does not count toward it. Last evaluated 2024-03-25.

Conditions:
Hereditary fructosuria. Also called: ALDOB DEFICIENCY; ALDOLASE B DEFICIENCY; FRUCTOSE-1,6-BISPHOSPHATE ALDOLASE B DEFICIENCY; FRUCTOSE-1-PHOSPHATE ALDOLASE DEFICIENCY; FRUCTOSEMIA; Fructose intolerance. Identifiers: Orphanet 469, MedGen C0016751, MONDO:0009249, OMIM 229600, HP:0005973. Disease mechanism: loss of function.

Submissions (3):

Baylor Genetics
Classification: Pathogenic for Hereditary fructosuria. Last evaluated: 2024-03-25. Review status: criteria provided, single submitter. Criteria: ACMG Guidelines, 2015. Collection method: clinical testing. Allele origin: unknown.

Labcorp Genetics (formerly Invitae), Labcorp
Classification: Pathogenic for Hereditary fructosuria. Last evaluated: 2023-05-18. Review status: criteria provided, single submitter. Criteria: Invitae Variant Classification Sherloc (09022015). Collection method: clinical testing. Allele origin: germline.
Comment: This variant is also known as p.Val253fsX24. ClinVar contains an entry for this variant (Variation ID: 1065871). For these reasons, this variant has been classified as Pathogenic. This premature translational stop signal has been observed in individual(s) with clinical features of hereditary fructose intolerance (PMID: 22375183). This sequence change creates a premature translational stop signal (p.Thr255Asnfs*23) in the ALDOB gene. It is expected to result in an absent or disrupted protein product. Loss-of-function variants in ALDOB are known to be pathogenic (PMID: 18541450). This variant is not present in population databases (gnomAD no frequency).

ATS em Genética Clínica, Universidade Federal do Rio Grande do Sul
Classification: Likely pathogenic for Hereditary fructosuria. Last evaluated: 2021-03-18. Review status: no assertion criteria provided. Collection method: literature only. Allele origin: unknown. Affected: yes. Not counted in ClinVar's aggregate classification.

Literature cited by the submitters: PubMed 22375183 (cited by Labcorp Genetics (formerly Invitae), Labcorp and ATS em Genética Clínica, Universidade Federal do Rio Grande do Sul); PubMed 18541450 (cited by Labcorp Genetics (formerly Invitae), Labcorp).

NM_000035.4(ALDOB):c.761dup (p.Thr255fs)

Gene: ALDOB (aldolase, fructose-bisphosphate B; minus strand). Cytogenetic location: 9q31.1.
Variant type: Duplication.
Coding change: c.761dup on transcript NM_000035.4 (MANE Select); coding-DNA position 761, one base duplicated (T; older notation c.761dupT).
Protein change: p.Thr255fs; shifts the reading frame from threonine 255.
Molecular consequence: frameshift variant.
Genome position (GRCh38, 1-based): chr9:101,425,491, A duplicated on the plus strand (T on the coding strand, the reverse complement: ALDOB is on the minus strand). VCF-style (leftmost placement, unchanged base first): chr9-101425490-T-TA. GRCh37 (hg19) VCF-style: chr9-104187772-T-TA.
Other names: short protein forms T255fs.
Identifiers: ClinVar variation 1065871 (VCV001065871.10), dbSNP rs2118345550, ClinGen allele CA2499219517.
Genomic context (GRCh38, chr9:101,425,490, plus strand): 5'-TTAGAGAAGAAAGAAGGCCTTACCAGGAACAGCTGCAGGAACAGTACGGTGGAGAGCTGT[T>TA]ACGGTGGCCATAGCTACTTGTTCTGGAGTATACTTCTTGGTGCAGGCATGTCCAGCAGTC-3'